The following is an entry in ClinVar:

ClinVar aggregate classification (germline): Uncertain significance (1 of 4 stars; one submission).

Conditions:
Cystic fibrosis (CF). Also called: MUCOVISCIDOSIS. Identifiers: Orphanet 586, MedGen C0010674, MONDO:0009061, OMIM 219700. Disease mechanism: loss of function.

Submission:

Ambry Genetics
Classification: Uncertain significance for Cystic fibrosis. Last evaluated: 2025-11-29. Review status: criteria provided, single submitter. Criteria: Ambry Variant Classification Scheme 2023. Collection method: clinical testing. Allele origin: germline.
Comment: The p.N782D variant (also known as c.2344A>G), located in coding exon 14 of the CFTR gene, results from an A to G substitution at nucleotide position 2344. The asparagine at codon 782 is replaced by aspartic acid, an amino acid with highly similar properties. This amino acid position is conserved. In addition, this alteration is predicted to be tolerated by in silico analysis. Based on the available evidence, the clinical significance of this variant remains unclear.

NM_000492.4(CFTR):c.2344A>G (p.Asn782Asp)

Gene: CFTR (CF transmembrane conductance regulator; plus strand). Cytogenetic location: 7q31.2.
Variant type: single nucleotide variant.
Coding change: c.2344A>G on transcript NM_000492.4 (MANE Select); coding-DNA position 2344, A replaced by G.
Protein change: p.Asn782Asp; replaces asparagine 782 with aspartic acid.
Molecular consequence: missense variant.
Genome position (GRCh38, 1-based): chr7:117,592,511, A>G. VCF-style: chr7-117592511-A-G. GRCh37 (hg19) VCF-style: chr7-117232565-A-G.
Other names: short protein forms N782D.
Identifiers: ClinVar variation 4651054 (VCV004651054.1).